The following is an entry in ClinVar:

ClinVar aggregate classification (germline): Uncertain significance (1 of 4 stars; one submission).

Conditions:
Dilated cardiomyopathy 1R (CMD1R). Identifiers: Orphanet 154, Orphanet 54260, MedGen C3150681, MONDO:0013261, OMIM 613424.
Atrial septal defect 5 (ASD5). Identifiers: Orphanet 1478, MedGen C2748552, MONDO:0013011, OMIM 612794.
Hypertrophic cardiomyopathy 11. Also called: ACTC1-Related Familial Hypertrophic Cardiomyopathy. Identifiers: MedGen C2677506, MONDO:0012799, OMIM 612098.

Allele frequency attached by ClinVar (database versions not stated): gnomAD exomes below 0.00001.
gnomAD v4.1: 1 of 1,614,146 alleles (0.000062%); highest among the groups gnomAD compares: Non-Finnish European, 0.000085%; no homozygotes.

Submission:

Labcorp Genetics (formerly Invitae), Labcorp
Classification: Uncertain significance for Dilated cardiomyopathy 1R; Hypertrophic cardiomyopathy 11; Atrial septal defect 5. Last evaluated: 2024-11-03. Review status: criteria provided, single submitter. Criteria: Invitae Variant Classification Sherloc (09022015). Collection method: clinical testing. Allele origin: germline.
Comment: This sequence change replaces alanine, which is neutral and non-polar, with glycine, which is neutral and non-polar, at codon 367 of the ACTC1 protein (p.Ala367Gly). This variant is not present in population databases (gnomAD no frequency). This variant has not been reported in the literature in individuals affected with ACTC1-related conditions. ClinVar contains an entry for this variant (Variation ID: 1470228). Invitae Evidence Modeling of protein sequence and biophysical properties (such as structural, functional, and spatial information, amino acid conservation, physicochemical variation, residue mobility, and thermodynamic stability) indicates that this missense variant is not expected to disrupt ACTC1 protein function with a negative predictive value of 80%. In summary, the available evidence is currently insufficient to determine the role of this variant in disease. Therefore, it has been classified as a Variant of Uncertain Significance.

NM_005159.5(ACTC1):c.1100C>G (p.Ala367Gly)

Genes: GJD2-DT (GJD2 divergent transcript; plus strand), ACTC1 (actin alpha cardiac muscle 1; minus strand). Cytogenetic location: 15q14.
Variant type: single nucleotide variant.
Coding change: c.1100C>G on transcript NM_005159.5 (MANE Select); coding-DNA position 1100, C replaced by G.
Protein change: p.Ala367Gly; replaces alanine 367 with glycine.
Molecular consequence: missense variant.
Genome position (GRCh38, 1-based): chr15:34,790,446, G>C on the plus strand (C>G on the coding strand, the complement: ACTC1 is on the minus strand). VCF-style: chr15-34790446-G-C. GRCh37 (hg19) VCF-style: chr15-35082647-G-C.
Other names: short protein forms A367G.
Identifiers: ClinVar variation 1470228 (VCV001470228.8), dbSNP rs2140428937, ClinGen allele CA391628635.